The following is an entry in ClinVar:

ClinVar aggregate classification (germline): Uncertain significance (1 of 4 stars; one submission).

Conditions:
Neurofibromatosis, type 1 (NF1). Also called: VON RECKLINGHAUSEN DISEASE; NEUROFIBROMATOSIS, TYPE I, SOMATIC; Peripheral type neurofibromatosis; Neurofibromatosis, type I. Identifiers: Orphanet 636, MedGen C0027831, MONDO:0018975, OMIM 162200. Disease mechanism: loss of function.

Allele frequency attached by ClinVar (database versions not stated): gnomAD exomes below 0.00001; ExAC 0.00001.
gnomAD v4.1: 1 of 1,613,568 alleles (0.000062%); highest among the groups gnomAD compares: Non-Finnish European, 0.000085%; no homozygotes.

Submission:

Labcorp Genetics (formerly Invitae), Labcorp
Classification: Uncertain significance for Neurofibromatosis, type 1. Last evaluated: 2020-01-14. Review status: criteria provided, single submitter. Criteria: Invitae Variant Classification Sherloc (09022015). Collection method: clinical testing. Allele origin: germline.
Comment: In summary, the available evidence is currently insufficient to determine the role of this variant in disease. Therefore, it has been classified as a Variant of Uncertain Significance. Algorithms developed to predict the effect of missense changes on protein structure and function are either unavailable or do not agree on the potential impact of this missense change (SIFT: "Tolerated"; PolyPhen-2: "Probably Damaging"; Align-GVGD: "Class C0"). This variant has not been reported in the literature in individuals with NF1-related conditions. The frequency data for this variant in the population databases is considered unreliable, as metrics indicate poor data quality at this position in the ExAC database. This sequence change replaces aspartic acid with glutamic acid at codon 1955 of the NF1 protein (p.Asp1955Glu). The aspartic acid residue is moderately conserved and there is a small physicochemical difference between aspartic acid and glutamic acid.

NM_001042492.3(NF1):c.5928C>G (p.Asp1976Glu)

Gene: NF1 (neurofibromin 1; plus strand). Cytogenetic location: 17q11.2.
Variant type: single nucleotide variant.
Coding change: c.5928C>G on transcript NM_001042492.3 (MANE Select); coding-DNA position 5928, C replaced by G.
Protein change: p.Asp1976Glu; replaces aspartic acid 1976 with glutamic acid.
Molecular consequence: missense variant.
Genome position (GRCh38, 1-based): chr17:31,334,953, C>G. VCF-style: chr17-31334953-C-G. GRCh37 (hg19) VCF-style: chr17-29661971-C-G.
Other names: c.5865C>G, p.Asp1955Glu (NM_000267.4); short protein forms D1955E, D1976E.
Identifiers: ClinVar variation 1039455 (VCV001039455.5), dbSNP rs568852704, ClinGen allele CA8487273.
Genomic context (GRCh38, chr17:31,334,953, plus strand): 5'-AGTTCGTTTTTGCAAGCATAATGATGATGCCAAACGACAAAGAGTTACTGCTATTCTTGA[C>G]AAGCTGATAACAATGACCATCAATGAAAAACAGATGTACCCATCTATTCAAGCAAAAATA-3'
Protein context (NP_001035957.1, residues 1966-1986): AKRQRVTAIL[Asp1976Glu]KLITMTINEK